The following is an entry in ClinVar:

ClinVar aggregate classification (germline): Uncertain significance (1 of 4 stars; one submission).

Conditions:
Primary ciliary dyskinesia. Also called: Ciliary dyskinesia. Identifiers: Orphanet 244, MedGen C0008780, MONDO:0016575, HP:0012265.

Allele frequency attached by ClinVar (database versions not stated): gnomAD exomes below 0.00001; gnomAD 0.00003 and 0.00004; TOPMed 0.00003.
gnomAD v4.1: 9 of 1,614,096 alleles (0.00056%); highest among the groups gnomAD compares: African/African-American, 0.004%; no homozygotes.

Submission:

Labcorp Genetics (formerly Invitae), Labcorp
Classification: Uncertain significance for Primary ciliary dyskinesia. Last evaluated: 2021-09-02. Review status: criteria provided, single submitter. Criteria: Invitae Variant Classification Sherloc (09022015). Collection method: clinical testing. Allele origin: germline.
Comment: This sequence change replaces proline with leucine at codon 157 of the CCDC103 protein (p.Pro157Leu). The proline residue is moderately conserved and there is a moderate physicochemical difference between proline and leucine. This variant is not present in population databases (ExAC no frequency). This variant has not been reported in the literature in individuals affected with CCDC103-related conditions. Algorithms developed to predict the effect of missense changes on protein structure and function output the following: SIFT: "Tolerated"; PolyPhen-2: "Benign"; Align-GVGD: "Class C0". The leucine amino acid residue is found in multiple mammalian species, which suggests that this missense change does not adversely affect protein function. In summary, the available evidence is currently insufficient to determine the role of this variant in disease. Therefore, it has been classified as a Variant of Uncertain Significance.

NM_213607.3(DNAAF19):c.470C>T (p.Pro157Leu)

Gene: DNAAF19 (dynein axonemal assembly factor 19; plus strand). Cytogenetic location: 17q21.31.
Variant type: single nucleotide variant.
Coding change: c.470C>T on transcript NM_213607.3 (MANE Select); coding-DNA position 470, C replaced by T.
Protein change: p.Pro157Leu; replaces proline 157 with leucine.
Molecular consequence: missense variant. On other transcripts: 3 prime UTR variant (3).
Genome position (GRCh38, 1-based): chr17:44,902,558, C>T. VCF-style: chr17-44902558-C-T. GRCh37 (hg19) VCF-style: chr17-42979926-C-T.
Other names: c.470C>T, p.Pro157Leu (NM_001258395.2, NM_001258396.2); c.*220C>T (NM_001258397.3); c.*159C>T (NM_001258398.3, NM_001258399.2); short protein forms P157L.
Identifiers: ClinVar variation 1040127 (VCV001040127.6), dbSNP rs1159140845, ClinGen allele CA399829348.